The following is an entry in ClinVar:

NM_015991.4(C1QA):c.658G>A (p.Asp220Asn)

Gene: C1QA (complement C1q A chain; plus strand). Cytogenetic location: 1p36.12.
Variant type: single nucleotide variant.
Coding change: c.658G>A on transcript NM_015991.4 (MANE Select); coding-DNA position 658, G replaced by A.
Protein change: p.Asp220Asn; replaces aspartic acid 220 with asparagine.
Molecular consequence: missense variant.
Genome position (GRCh38, 1-based): chr1:22,639,327, G>A. VCF-style: chr1-22639327-G-A. GRCh37 (hg19) VCF-style: chr1-22965820-G-A.
Other names: c.658G>A, p.Asp220Asn (NM_001347465.2, NM_001347466.2); short protein forms D220N.
Identifiers: ClinVar variation 1920272 (VCV001920272.4), dbSNP rs1249954899, ClinGen allele CA338930964.

ClinVar aggregate classification (germline): Uncertain significance (1 of 4 stars; one submission).

Allele frequency attached by ClinVar (database versions not stated): gnomAD exomes below 0.00001; TOPMed below 0.00001.
gnomAD v4.1: 2 of 1,613,922 alleles (0.00012%); highest among the groups gnomAD compares: Admixed American, 0.0033%; no homozygotes.

Submission:

Labcorp Genetics (formerly Invitae), Labcorp
Classification: Uncertain significance. Last evaluated: 2022-02-19. Review status: criteria provided, single submitter. Criteria: Invitae Variant Classification Sherloc (09022015). Collection method: clinical testing. Allele origin: germline.
Comment: This sequence change replaces aspartic acid, which is acidic and polar, with asparagine, which is neutral and polar, at codon 220 of the C1QA protein (p.Asp220Asn). In summary, the available evidence is currently insufficient to determine the role of this variant in disease. Therefore, it has been classified as a Variant of Uncertain Significance. Algorithms developed to predict the effect of missense changes on protein structure and function (SIFT, PolyPhen-2, Align-GVGD) all suggest that this variant is likely to be tolerated. This variant has not been reported in the literature in individuals affected with C1QA-related conditions. This variant is present in population databases (no rsID available, gnomAD 0.006%).